The following is an entry in ClinVar:

NM_173630.4(RTTN):c.4690C>T (p.Leu1564Phe)

Gene: RTTN (rotatin; minus strand). Cytogenetic location: 18q22.2.
Variant type: single nucleotide variant.
Coding change: c.4690C>T on transcript NM_173630.4 (MANE Select); coding-DNA position 4690, C replaced by T.
Protein change: p.Leu1564Phe; replaces leucine 1564 with phenylalanine.
Molecular consequence: missense variant.
Genome position (GRCh38, 1-based): chr18:70,065,886, G>A on the plus strand (C>T on the coding strand, the complement: RTTN is on the minus strand). VCF-style: chr18-70065886-G-A. GRCh37 (hg19) VCF-style: chr18-67733122-G-A.
Other names: c.1954C>T, p.Leu652Phe (NM_001318520.2); short protein forms L652F, L1564F.
Identifiers: ClinVar variation 1376722 (VCV001376722.4), dbSNP rs746899393, ClinGen allele CA8995158.

ClinVar aggregate classification (germline): Uncertain significance (1 of 4 stars; one submission).

Allele frequency attached by ClinVar (database versions not stated): gnomAD exomes 0.00002; ExAC 0.00003; gnomAD 0.00001; TOPMed 0.00002.
gnomAD v4.1: 38 of 1,602,446 alleles (0.0024%); highest among the groups gnomAD compares: Non-Finnish European, 0.003%; no homozygotes.

Submission:

Labcorp Genetics (formerly Invitae), Labcorp
Classification: Uncertain significance. Last evaluated: 2021-07-30. Review status: criteria provided, single submitter. Criteria: Invitae Variant Classification Sherloc (09022015). Collection method: clinical testing. Allele origin: germline.
Comment: This variant is present in population databases (rs746899393, ExAC 0.006%). This sequence change replaces leucine with phenylalanine at codon 1564 of the RTTN protein (p.Leu1564Phe). The leucine residue is moderately conserved and there is a small physicochemical difference between leucine and phenylalanine. This variant has not been reported in the literature in individuals affected with RTTN-related conditions. In summary, the available evidence is currently insufficient to determine the role of this variant in disease. Therefore, it has been classified as a Variant of Uncertain Significance. Algorithms developed to predict the effect of missense changes on protein structure and function output the following: SIFT: "Tolerated"; PolyPhen-2: "Benign"; Align-GVGD: "Class C0". The phenylalanine amino acid residue is found in multiple mammalian species, which suggests that this missense change does not adversely affect protein function.